The following is an entry in ClinVar:

NM_004301.5(ACTL6A):c.1144G>C (p.Ala382Pro)

Gene: ACTL6A (actin like 6A; plus strand). Cytogenetic location: 3q26.33.
Variant type: single nucleotide variant.
Coding change: c.1144G>C on transcript NM_004301.5 (MANE Select); coding-DNA position 1144, G replaced by C.
Protein change: p.Ala382Pro; replaces alanine 382 with proline.
Molecular consequence: missense variant.
Genome position (GRCh38, 1-based): chr3:179,586,567, G>C. VCF-style: chr3-179586567-G-C. GRCh37 (hg19) VCF-style: chr3-179304355-G-C.
Other names: c.1018G>C, p.Ala340Pro (NM_177989.4, NM_178042.4); short protein forms A340P, A382P.
Identifiers: ClinVar variation 1326587 (VCV001326587.2), dbSNP rs2108373072, ClinGen allele CA355279354.

ClinVar aggregate classification (germline): Uncertain significance (1 of 4 stars; one submission).

Submission:

GeneDx
Classification: Uncertain significance. Last evaluated: 2021-05-26. Review status: criteria provided, single submitter. Criteria: GeneDx Variant Classification Process June 2021. Collection method: clinical testing. Allele origin: germline. Affected: yes.
Comment: Not observed in large population cohorts (Lek et al., 2016); In silico analysis supports that this missense variant has a deleterious effect on protein structure/function; Has not been previously published as pathogenic or benign to our knowledge